The following is an entry in ClinVar:

ClinVar aggregate classification (germline): Uncertain significance. Review status: criteria provided, multiple submitters, no conflicts (2 of 4 stars). 2 submissions from 2 submitters: Uncertain significance (2). Last evaluated 2025-09-04.

Conditions:
Cardiovascular phenotype. Identifiers: MedGen CN230736.

Allele frequency attached by ClinVar (database versions not stated): gnomAD exomes below 0.00001; TOPMed 0.00001; ExAC 0.00002; ESP Exome Variant Server 0.00008.

Submissions (2):

Labcorp Genetics (formerly Invitae), Labcorp
Classification: Uncertain significance. Last evaluated: 2025-09-04. Review status: criteria provided, single submitter. Criteria: Invitae Variant Classification Sherloc (09022015). Collection method: clinical testing. Allele origin: germline.
Comment: This sequence change replaces leucine, which is neutral and non-polar, with arginine, which is basic and polar, at codon 86 of the ALPK3 protein (p.Leu86Arg). This variant is present in population databases (rs369860557, gnomAD 0.009%). This variant has not been reported in the literature in individuals affected with ALPK3-related conditions. ClinVar contains an entry for this variant (Variation ID: 1472819). An algorithm developed to predict the effect of missense changes on protein structure and function (PolyPhen-2) suggests that this variant is likely to be disruptive. In summary, the available evidence is currently insufficient to determine the role of this variant in disease. Therefore, it has been classified as a Variant of Uncertain Significance.

Ambry Genetics
Classification: Uncertain significance for Cardiovascular phenotype. Last evaluated: 2023-03-07. Review status: criteria provided, single submitter. Criteria: Ambry Variant Classification Scheme 2023. Collection method: clinical testing. Allele origin: germline.
Comment: The p.L86R variant (also known as c.257T>G), located in coding exon 1 of the ALPK3 gene, results from a T to G substitution at nucleotide position 257. The leucine at codon 86 is replaced by arginine, an amino acid with dissimilar properties. This amino acid position is conserved. In addition, this alteration is predicted to be tolerated by in silico analysis. Since supporting evidence is limited at this time, the clinical significance of this alteration remains unclear.

NC_000015.10:g.84817103T>G

Gene: ALPK3 (alpha kinase 3; plus strand). Cytogenetic location: 15q25.3.
Variant type: single nucleotide variant.
Genome position: GRCh38 VCF-style: chr15-84817103-T-G. GRCh37 (hg19) VCF-style: chr15-85360334-T-G.
Other names: short protein forms L86R.
Identifiers: ClinVar variation 1472819 (VCV001472819.8), dbSNP rs369860557, ClinGen allele CA7708824.